The following is an entry in ClinVar:

NM_001845.6(COL4A1):c.2689G>C (p.Gly897Arg)

Gene: COL4A1 (collagen type IV alpha 1 chain; minus strand). Cytogenetic location: 13q34.
Variant type: single nucleotide variant.
Coding change: c.2689G>C on transcript NM_001845.6 (MANE Select); coding-DNA position 2689, G replaced by C.
Protein change: p.Gly897Arg; replaces glycine 897 with arginine.
Molecular consequence: missense variant.
Genome position (GRCh38, 1-based): chr13:110,177,869, C>G on the plus strand (G>C on the coding strand, the complement: COL4A1 is on the minus strand). VCF-style: chr13-110177869-C-G. GRCh37 (hg19) VCF-style: chr13-110830216-C-G.
Other names: short protein forms G897R.
Identifiers: ClinVar variation 2849889 (VCV002849889.3), dbSNP rs2501779475, ClinGen allele CA388667453.

ClinVar aggregate classification (germline): Pathogenic (1 of 4 stars; one submission).

Submission:

Labcorp Genetics (formerly Invitae), Labcorp
Classification: Pathogenic. Last evaluated: 2023-03-26. Review status: criteria provided, single submitter. Criteria: Invitae Variant Classification Sherloc (09022015). Collection method: clinical testing. Allele origin: germline.
Comment: This sequence change replaces glycine, which is neutral and non-polar, with arginine, which is basic and polar, at codon 897 of the COL4A1 protein (p.Gly897Arg). This missense change has been observed in individual(s) with clinical features of porencephaly, hereditary angiopathy with nephropathy, aneurysms, and muscle cramps (HANAC) (PMID: 23225343). This variant is not present in population databases (gnomAD no frequency). An algorithm developed to predict the effect of missense changes on protein structure and function (PolyPhen-2) suggests that this variant is likely to be disruptive. This variant disrupts the triple helix domain of COL4A1. Glycine residues within the Gly-Xaa-Yaa repeats of the triple helix domain are required for the structure and stability of fibrillar collagens (PMID: 7695699, 8218237, 19344236). In COL4A1 variants affecting these glycine residues are significantly enriched in individuals with disease (PMID: 9016532, 17078022) compared to the general population (ExAC). This variant disrupts the p.Gly897 amino acid residue in COL4A1. Other variant(s) that disrupt this residue have been observed in individuals with COL4A1-related conditions (PMID: 23225343; Invitae), which suggests that this may be a clinically significant amino acid residue. For these reasons, this variant has been classified as Pathogenic.

Literature cited by the submitters: PubMed 23225343; PubMed 7695699; PubMed 8218237; PubMed 19344236; PubMed 9016532; PubMed 17078022.